The following is an entry in ClinVar:

ClinVar aggregate classification (germline): Uncertain significance (1 of 4 stars; one submission).

Submission:

GeneDx
Classification: Uncertain significance. Last evaluated: 2025-06-12. Review status: criteria provided, single submitter. Criteria: GeneDx Variant Classification Process June 2021. Collection method: clinical testing. Allele origin: germline. Affected: yes.
Comment: Not observed at significant frequency in large population cohorts (gnomAD); In silico analysis supports that this missense variant has a deleterious effect on protein structure/function; Has not been previously published as pathogenic or benign to our knowledge

NM_001377299.1(NDUFS2):c.1370T>G (p.Val457Gly)

Gene: NDUFS2 (NADH:ubiquinone oxidoreductase core subunit S2; plus strand). Cytogenetic location: 1q23.3.
Variant type: single nucleotide variant.
Coding change: c.1370T>G on transcript NM_001377299.1 (MANE Select); coding-DNA position 1370, T replaced by G.
Protein change: p.Val457Gly; replaces valine 457 with glycine.
Molecular consequence: missense variant. On other transcripts: 3 prime UTR variant (4), non-coding transcript variant (1).
Genome position (GRCh38, 1-based): chr1:161,214,171, T>G. VCF-style: chr1-161214171-T-G. GRCh37 (hg19) VCF-style: chr1-161183961-T-G.
Other names: c.*230T>G (NM_001166159.2, NM_001377300.1, NM_001377301.1); c.1370T>G, p.Val457Gly (NM_001377298.1, NM_004550.5); c.*21T>G (NM_001377302.1); c.1292T>G, p.Val431Gly (NM_001410889.1); short protein forms V431G, V457G.
Identifiers: ClinVar variation 4537634 (VCV004537634.1).